The following is an entry in ClinVar:

ClinVar aggregate classification (germline): Benign/Likely benign. Review status: criteria provided, multiple submitters, no conflicts (2 of 4 stars). 3 submissions from 3 submitters: Benign (1); Likely benign (2). Last evaluated 2025-04-01.

Allele frequency attached by ClinVar (database versions not stated): ExAC 0.00002; gnomAD exomes 0.00003; gnomAD 0.00005; TOPMed 0.00006.
gnomAD v4.1: 51 of 1,613,198 alleles (0.0032%); highest among the groups gnomAD compares: Middle Eastern, 0.016%; no homozygotes.

Submissions (3):

Labcorp Genetics (formerly Invitae), Labcorp
Classification: Benign. Last evaluated: 2025-04-01. Review status: criteria provided, single submitter. Criteria: Invitae Variant Classification Sherloc (09022015). Collection method: clinical testing. Allele origin: germline.

Blueprint Genetics
Classification: Likely benign. Last evaluated: 2024-07-04. Review status: criteria provided, single submitter. Criteria: ACMG Guidelines, 2015. Collection method: clinical testing. Allele origin: germline.

CeGaT Center for Human Genetics Tuebingen
Classification: Likely benign. Last evaluated: 2023-01-01. Review status: criteria provided, single submitter. Criteria: CeGaT Center For Human Genetics Tuebingen Variant Classification Criteria Version 2. Collection method: clinical testing. Allele origin: germline. Affected: yes. Observed: 1 variant allele.
Comment: ABL1: BP4, BP7

NM_005157.6(ABL1):c.2280G>A (p.Pro760=)

Gene: ABL1 (ABL proto-oncogene 1, non-receptor tyrosine kinase; plus strand). Cytogenetic location: 9q34.12.
Variant type: single nucleotide variant.
Coding change: c.2280G>A on transcript NM_005157.6 (MANE Select); coding-DNA position 2280, G replaced by A.
Protein change: p.Pro760=; no amino-acid change (proline 760 retained).
Molecular consequence: synonymous variant.
Genome position (GRCh38, 1-based): chr9:130,884,570, G>A. VCF-style: chr9-130884570-G-A. GRCh37 (hg19) VCF-style: chr9-133759957-G-A.
Other names: c.2337G>A, p.Pro779= (NM_007313.3).
Identifiers: ClinVar variation 2045848 (VCV002045848.29), dbSNP rs768333449, ClinGen allele CA5285661.
Genomic context (GRCh38, chr9:130,884,570, plus strand): 5'-GCAGTCCACGGGAAGACAGTTTGACTCGTCCACATTTGGAGGGCACAAAAGTGAGAAGCC[G>A]GCTCTGCCTCGGAAGAGGGCAGGGGAGAACAGGTCTGACCAGGTGACCCGAGGCACAGTA-3'
Protein context (NP_005148.2, residues 750-770): STFGGHKSEK[Pro760=]ALPRKRAGEN